The following is an entry in ClinVar:

ClinVar aggregate classification (germline): Pathogenic (1 of 4 stars; one submission).

Conditions:
Developmental and epileptic encephalopathy, 54. Also called: HNRNPU-Related Neurodevelopmental Disorder; Epileptic encephalopathy, early infantile, 54. Identifiers: MedGen C4479319, MONDO:0033363, OMIM 617391.

Submission:

Laboratory of Functional Genomics, Research Centre for Medical Genetics
Classification: Pathogenic for Developmental and epileptic encephalopathy, 54. Last evaluated: 2022-01-25. Review status: criteria provided, single submitter. Criteria: ACMG Guidelines, 2015. Collection method: clinical testing. Allele origin: de novo. Inheritance: Autosomal dominant inheritance. Affected: yes. Observed: 1 heterozygote.
Comment: The NM_031844.3(HNRNPU_i001):p.(Leu556Alafs*12) variant could be classified as pathogenic variant, ассоrding to ACMG criteria (PM2, PVS1, PS2).

NM_031844.3(HNRNPU):c.1665_1666del (p.Leu556fs)

Gene: HNRNPU (heterogeneous nuclear ribonucleoprotein U; minus strand). Cytogenetic location: 1q44.
Variant type: Deletion.
Coding change: c.1665_1666del on transcript NM_031844.3 (MANE Select); coding-DNA positions 1665 to 1666, 2 bases deleted (GT; older notation c.1665_1666delGT).
Protein change: p.Leu556fs; shifts the reading frame from leucine 556.
Molecular consequence: frameshift variant.
Genome position (GRCh38, 1-based): chr1:244,856,805-244,856,806, AC deleted on the plus strand (GT on the coding strand, the reverse complement: HNRNPU is on the minus strand); deleting any 2 consecutive bases within chr1:244,856,805-244,856,807 gives the same sequence; the c. name uses the placement nearest the transcript's 3' end. VCF-style (leftmost placement, unchanged base first): chr1-244856804-AAC-A. GRCh37 (hg19) VCF-style: chr1-245020106-AAC-A.
Other names: chr1:245020106AAC>A; c.1608_1609del, p.Leu537fs (NM_004501.3); short protein forms L537fs, L556fs.
Identifiers: ClinVar variation 1343373 (VCV001343373.2), dbSNP rs2102985889, ClinGen allele CA2573051544.